The following is an entry in ClinVar:

ClinVar aggregate classification (germline): Uncertain significance (1 of 4 stars; one submission).

Conditions:
Myopathy, centronuclear, 2 (CNM2). Also called: MYOTUBULAR MYOPATHY, AUTOSOMAL RECESSIVE. Identifiers: Orphanet 169186, MedGen CN031787, MONDO:0009709, OMIM 255200.

Allele frequency attached by ClinVar (database versions not stated): gnomAD exomes below 0.00001.
gnomAD v4.1: 6 of 1,614,018 alleles (0.00037%); highest among the groups gnomAD compares: Non-Finnish European, 0.00051%; no homozygotes.

Submission:

Labcorp Genetics (formerly Invitae), Labcorp
Classification: Uncertain significance for Myopathy, centronuclear, 2. Last evaluated: 2025-11-04. Review status: criteria provided, single submitter. Criteria: Invitae Variant Classification Sherloc (09022015). Collection method: clinical testing. Allele origin: germline.
Comment: This sequence change falls in intron 4 of the BIN1 gene. It does not directly change the encoded amino acid sequence of the BIN1 protein. It affects a nucleotide within the consensus splice site. This variant is not present in population databases (gnomAD no frequency). This variant has not been reported in the literature in individuals affected with BIN1-related conditions. ClinVar contains an entry for this variant (Variation ID: 934143). Variants that disrupt the consensus splice site are a relatively common cause of aberrant splicing (PMID: 17576681, 9536098). Algorithms developed to predict the effect of sequence changes on RNA splicing suggest that this variant may disrupt the consensus splice site. In summary, the available evidence is currently insufficient to determine the role of this variant in disease. Therefore, it has been classified as a Variant of Uncertain Significance.

Literature cited by the submitters: PubMed 17576681; PubMed 9536098.

NM_139343.3(BIN1):c.315+3G>C

Gene: BIN1 (bridging integrator 1; minus strand). Cytogenetic location: 2q14.3.
Variant type: single nucleotide variant.
Coding change: c.315+3G>C on transcript NM_139343.3 (MANE Select); 3 bases into the intron after coding-DNA position 315, G replaced by C.
Molecular consequence: intron variant.
Genome position (GRCh38, 1-based): chr2:127,070,550, C>G on the plus strand (G>C on the coding strand, the complement: BIN1 is on the minus strand). VCF-style: chr2-127070550-C-G. GRCh37 (hg19) VCF-style: chr2-127828126-C-G.
Other names: c.234+3G>C (NM_001320642.1); c.243+3G>C (NM_001320634.1); c.315+3G>C (NM_139351.3, NM_139350.3, NM_139349.3 and 10 more transcripts).
Identifiers: ClinVar variation 934143 (VCV000934143.7), dbSNP rs764821578, ClinGen allele CA55321726.